The following is an entry in ClinVar:

ClinVar aggregate classification (germline): Uncertain significance (1 of 4 stars; one submission).

gnomAD v4.1: 1 of 1,614,102 alleles (0.000062%); highest among the groups gnomAD compares: South Asian, 0.0011%; no homozygotes.

Submission:

Labcorp Genetics (formerly Invitae), Labcorp
Classification: Uncertain significance. Last evaluated: 2024-09-05. Review status: criteria provided, single submitter. Criteria: Invitae Variant Classification Sherloc (09022015). Collection method: clinical testing. Allele origin: germline.
Comment: This sequence change replaces glycine, which is neutral and non-polar, with alanine, which is neutral and non-polar, at codon 1400 of the KIDINS220 protein (p.Gly1400Ala). This variant is not present in population databases (gnomAD no frequency). This variant has not been reported in the literature in individuals affected with KIDINS220-related conditions. An algorithm developed to predict the effect of missense changes on protein structure and function (PolyPhen-2) suggests that this variant is likely to be tolerated. In summary, the available evidence is currently insufficient to determine the role of this variant in disease. Therefore, it has been classified as a Variant of Uncertain Significance.

NM_020738.4(KIDINS220):c.4199G>C (p.Gly1400Ala)

Gene: KIDINS220 (kinase D interacting substrate 220; minus strand). Cytogenetic location: 2p25.1.
Variant type: single nucleotide variant.
Coding change: c.4199G>C on transcript NM_020738.4 (MANE Select); coding-DNA position 4199, G replaced by C.
Protein change: p.Gly1400Ala; replaces glycine 1400 with alanine.
Molecular consequence: missense variant. On other transcripts: intron variant (6).
Genome position (GRCh38, 1-based): chr2:8,731,837, C>G on the plus strand (G>C on the coding strand, the complement: KIDINS220 is on the minus strand). VCF-style: chr2-8731837-C-G. GRCh37 (hg19) VCF-style: chr2-8871967-C-G.
Other names: c.4202G>C, p.Gly1401Ala (NM_001348729.2); c.4145G>C, p.Gly1382Ala (NM_001348731.2); c.4142G>C, p.Gly1381Ala (NM_001348732.2); c.4031G>C, p.Gly1344Ala (NM_001348734.2); c.4028G>C, p.Gly1343Ala (NM_001348735.2); c.3902G>C, p.Gly1301Ala (NM_001348736.2); c.3882+1607G>C (NM_001348741.2, NM_001348742.2, NM_001348743.2); c.3996+1607G>C (NM_001348738.2); and 1 more; short protein forms G1343A, G1381A, G1400A, G1301A, G1344A, G1382A, G1401A.
Identifiers: ClinVar variation 3013619 (VCV003013619.3), dbSNP rs748238512, ClinGen allele CA345765527.